The following is an entry in ClinVar:

NM_181332.3(NLGN4X):c.1143C>T (p.Asp381=)

Gene: NLGN4X (neuroligin 4 X-linked; minus strand). Cytogenetic location: Xp22.32.
Variant type: single nucleotide variant.
Coding change: c.1143C>T on transcript NM_181332.3 (MANE Select); coding-DNA position 1143, C replaced by T.
Protein change: p.Asp381=; no amino-acid change (aspartic acid 381 retained).
Molecular consequence: synonymous variant.
Genome position (GRCh38, 1-based): chrX:5,903,535, G>A on the plus strand (C>T on the coding strand, the complement: NLGN4X is on the minus strand). VCF-style: chrX-5903535-G-A. GRCh37 (hg19) VCF-style: chrX-5821576-G-A.
Other names: c.1143C>T, p.Asp381= (NM_001282145.2, NM_001282146.2, NM_020742.4).
Identifiers: ClinVar variation 2659901 (VCV002659901.24), dbSNP rs764507720, ClinGen allele CA10341068.

ClinVar aggregate classification (germline): Likely benign (1 of 4 stars; one submission).

Allele frequency attached by ClinVar (database versions not stated): gnomAD exomes 0.00001; TOPMed 0.00002; ExAC 0.00005.
gnomAD v4.1: 13 of 1,210,004 alleles (0.0011%); highest among the groups gnomAD compares: Middle Eastern, 0.023%; no homozygotes.

Submission:

CeGaT Center for Human Genetics Tuebingen
Classification: Likely benign. Last evaluated: 2023-03-01. Review status: criteria provided, single submitter. Criteria: CeGaT Center For Human Genetics Tuebingen Variant Classification Criteria Version 2. Collection method: clinical testing. Allele origin: germline. Affected: yes. Observed: 1 variant allele.
Comment: NLGN4X: BP4, BP7